The following is an entry in ClinVar:

ClinVar aggregate classification (germline): Benign. Review status: reviewed by expert panel (3 of 4 stars). 2 submissions from 2 submitters: Benign (1). 1 of the submissions does not count toward it. Last evaluated 2022-02-11.

Conditions:
Hereditary thrombocytopenia and hematologic cancer predisposition syndrome. Identifiers: Orphanet 71290, MedGen CN281654, MONDO:0011071.
Hereditary thrombocytopenia and hematological cancer predisposition syndrome associated with RUNX1. Also called: PLATELET DISORDER, ASPIRIN-LIKE; RUNX1 Familial Platelet Disorder with Associated Myeloid Malignancies; Familial Platelet Disorder with Propensity to Acute Myelogenous Leukemia; Familial thrombocytopenia with propensity to acute myelogenous leukemia. Identifiers: Orphanet 71290, MedGen C1832388, MeSH C563324, MONDO:0100083, OMIM 601399.

Allele frequency attached by ClinVar (database versions not stated): 1000 Genomes Project 30x 0.00109; 1000 Genomes Project 0.00140; gnomAD exomes 0.00298; gnomAD 0.00307 and 0.00315; TOPMed 0.00317.
gnomAD v4.1: 710 of 231,696 alleles (0.31%); highest among the groups gnomAD compares: Non-Finnish European, 0.46%; 3 homozygotes.

Submissions (2):

ClinGen Myeloid Malignancy Variant Curation Expert Panel
Classification: Benign for Hereditary thrombocytopenia and hematologic cancer predisposition syndrome. Last evaluated: 2022-02-11. Review status: reviewed by expert panel. Criteria: ClinGen MyeloMalig ACMG Specifications v2. Collection method: curation. Allele origin: germline. Inheritance: Autosomal dominant inheritance.
Comment: NM_001754.5(RUNX1):c.*613A>T is a 3' UTR variant. MAF of 0.004884(0.4884%, 332/67974) in the European(Non-Finnish) subpopulation of the gnomAD v3.1.2 cohort is ≥ 0.0015 (0.15%)(BA1). One homozygote found in gnomAD v33.1.2 (BP2). In summary, this variant meets criteria to be classified as benign. ACMG/AMP criteria applied, as specified by the Myeloid Malignancy Variant Curation Expert Panel for RUNX1: BA1, BP2

Illumina Laboratory Services, Illumina
Classification: Benign for Hereditary thrombocytopenia and hematological cancer predisposition syndrome associated with RUNX1. Last evaluated: 2018-01-12. Review status: criteria provided, single submitter. Criteria: ICSL Variant Classification Criteria 13 December 2019. Collection method: clinical testing. Allele origin: germline. Not counted in ClinVar's aggregate classification.
Comment: This variant was observed in the ICSL laboratory as part of a predisposition screen in an ostensibly healthy population. It had not been previously curated by ICSL or reported in the Human Gene Mutation Database (HGMD: prior to June 1st, 2018), and was therefore a candidate for classification through an automated scoring system. Utilizing variant allele frequency, disease prevalence and penetrance estimates, and inheritance mode, an automated score was calculated to assess if this variant is too frequent to cause the disease. Based on the score and internal cut-off values, a variant classified as benign is not then subjected to further curation. The score for this variant resulted in a classification of benign for this disease.

NM_001754.5(RUNX1):c.*613A>T

Gene: RUNX1 (RUNX family transcription factor 1; minus strand). Cytogenetic location: 21q22.12.
Variant type: single nucleotide variant.
Coding change: c.*613A>T on transcript NM_001754.5 (MANE Select); 613 bases downstream of the stop codon, A replaced by T.
Molecular consequence: 3 prime UTR variant.
Genome position (GRCh38, 1-based): chr21:34,791,522, T>A on the plus strand (A>T on the coding strand, the complement: RUNX1 is on the minus strand). VCF-style: chr21-34791522-T-A. GRCh37 (hg19) VCF-style: chr21-36163819-T-A.
Other names: c.*613A>T (NM_001001890.3).
Identifiers: ClinVar variation 339860 (VCV000339860.6), dbSNP rs191743993, ClinGen allele CA10650432.